The following is an entry in ClinVar:

NM_001292034.3(TAB2):c.1513C>T (p.His505Tyr)

Genes: TAB2 (TGF-beta activated kinase 1 (MAP3K7) binding protein 2; plus strand), LOC126859827 (BRD4-independent group 4 enhancer GRCh37_chr6:149699707-149700906; plus strand). Cytogenetic location: 6q25.1.
Variant type: single nucleotide variant.
Coding change: c.1513C>T on transcript NM_001292034.3 (MANE Select); coding-DNA position 1513, C replaced by T.
Protein change: p.His505Tyr; replaces histidine 505 with tyrosine.
Molecular consequence: missense variant.
Genome position (GRCh38, 1-based): chr6:149,379,428, C>T. VCF-style: chr6-149379428-C-T. GRCh37 (hg19) VCF-style: chr6-149700564-C-T.
Other names: c.1417C>T, p.His473Tyr (NM_001292035.3); c.1513C>T, p.His505Tyr (NM_001369506.1, NM_015093.6); short protein forms H473Y, H505Y.
Identifiers: ClinVar variation 3371974 (VCV003371974.4).

ClinVar aggregate classification (germline): Uncertain significance. Review status: criteria provided, multiple submitters, no conflicts (2 of 4 stars). 3 submissions from 3 submitters: Uncertain significance (3). Last evaluated 2026-08-12.

Conditions:
Inborn genetic diseases. Identifiers: MedGen C0950123, MeSH D030342.

Submissions (3):

Ambry Genetics
Classification: Uncertain significance for Inborn genetic diseases. Last evaluated: 2026-08-12. Review status: criteria provided, single submitter. Criteria: Ambry Variant Classification Scheme 2023. Collection method: clinical testing. Allele origin: germline.

GeneDx
Classification: Uncertain significance. Last evaluated: 2024-04-03. Review status: criteria provided, single submitter. Criteria: GeneDx Variant Classification Process June 2021. Collection method: clinical testing. Allele origin: germline. Affected: yes.
Comment: Has not been previously published as pathogenic or benign to our knowledge; Not observed at significant frequency in large population cohorts (gnomAD); In silico analysis supports that this missense variant does not alter protein structure/function

Labcorp Genetics (formerly Invitae), Labcorp
Classification: Uncertain significance. Last evaluated: 2024-02-26. Review status: criteria provided, single submitter. Criteria: Invitae Variant Classification Sherloc (09022015). Collection method: clinical testing. Allele origin: germline.
Comment: This sequence change replaces histidine, which is basic and polar, with tyrosine, which is neutral and polar, at codon 505 of the TAB2 protein (p.His505Tyr). This variant is not present in population databases (gnomAD no frequency). This variant has not been reported in the literature in individuals affected with TAB2-related conditions. Advanced modeling of protein sequence and biophysical properties (such as structural, functional, and spatial information, amino acid conservation, physicochemical variation, residue mobility, and thermodynamic stability) performed at Invitae indicates that this missense variant is not expected to disrupt TAB2 protein function with a negative predictive value of 80%. In summary, the available evidence is currently insufficient to determine the role of this variant in disease. Therefore, it has been classified as a Variant of Uncertain Significance.